The following is an entry in ClinVar:

ClinVar aggregate classification (germline): Uncertain significance. Review status: criteria provided, multiple submitters, no conflicts (2 of 4 stars). 4 submissions from 4 submitters: Uncertain significance (4). Last evaluated 2025-08-06.

Conditions:
Inborn genetic diseases. Identifiers: MedGen C0950123, MeSH D030342.
Ehlers-Danlos syndrome, dermatosparaxis type. Also called: EDS VIIC; Dermatosparaxis; Ehlers-Danlos syndrome, type VII, autosomal recessive. Identifiers: Orphanet 1901, MedGen C2700425, MONDO:0009161, OMIM 225410.

Allele frequency attached by ClinVar (database versions not stated): ExAC 0.00001; gnomAD exomes 0.00001 and 0.00002; gnomAD 0.00002; TOPMed 0.00002; ESP Exome Variant Server 0.00008.
gnomAD v4.1: 14 of 1,613,098 alleles (0.00087%); highest among the groups gnomAD compares: Admixed American, 0.0067%; no homozygotes.

Submissions (4):

Mayo Clinic Laboratories, Mayo Clinic
Classification: Uncertain significance. Last evaluated: 2025-08-06. Review status: criteria provided, single submitter. Criteria: ACMG Guidelines, 2015. Collection method: clinical testing. Allele origin: germline. Observed: 1 variant allele.
Comment: BP1

Labcorp Genetics (formerly Invitae), Labcorp
Classification: Uncertain significance for Ehlers-Danlos syndrome, dermatosparaxis type. Last evaluated: 2021-08-30. Review status: criteria provided, single submitter. Criteria: Invitae Variant Classification Sherloc (09022015). Collection method: clinical testing. Allele origin: germline.
Comment: This sequence change replaces arginine with histidine at codon 892 of the ADAMTS2 protein (p.Arg892His). The arginine residue is highly conserved and there is a small physicochemical difference between arginine and histidine. This variant is present in population databases (rs377397368, ExAC 0.01%). This variant has not been reported in the literature in individuals affected with ADAMTS2-related conditions. Algorithms developed to predict the effect of missense changes on protein structure and function (SIFT, PolyPhen-2, Align-GVGD) all suggest that this variant is likely to be disruptive. In summary, the available evidence is currently insufficient to determine the role of this variant in disease. Therefore, it has been classified as a Variant of Uncertain Significance.

Ambry Genetics
Classification: Uncertain significance for Inborn genetic diseases. Last evaluated: 2021-07-14. Review status: criteria provided, single submitter. Criteria: Ambry Variant Classification Scheme 2023. Collection method: clinical testing. Allele origin: germline.

Laboratorio de Genetica e Diagnostico Molecular, Hospital Israelita Albert Einstein
Classification: Uncertain significance. Last evaluated: 2021-04-01. Review status: criteria provided, single submitter. Criteria: ACMG Guidelines, 2015. Collection method: clinical testing. Allele origin: germline. Affected: yes.
Comment: ACMG classification criteria: PM2, BP4

NM_014244.5(ADAMTS2):c.2675G>A (p.Arg892His)

Gene: ADAMTS2 (ADAM metallopeptidase with thrombospondin type 1 motif 2; minus strand). Cytogenetic location: 5q35.3.
Variant type: single nucleotide variant.
Coding change: c.2675G>A on transcript NM_014244.5 (MANE Select); coding-DNA position 2675, G replaced by A.
Protein change: p.Arg892His; replaces arginine 892 with histidine.
Molecular consequence: missense variant.
Genome position (GRCh38, 1-based): chr5:179,126,073, C>T on the plus strand (G>A on the coding strand, the complement: ADAMTS2 is on the minus strand). VCF-style: chr5-179126073-C-T. GRCh37 (hg19) VCF-style: chr5-178553074-C-T.
Other names: p.Arg892His; c.2675G>A (NM_014244.4); short protein forms R892H.
Identifiers: ClinVar variation 1690620 (VCV001690620.6), dbSNP rs377397368, ClinGen allele CA3595470.